The following is an entry in ClinVar:

ClinVar aggregate classification (germline): Likely benign. Review status: criteria provided, multiple submitters, no conflicts (2 of 4 stars). 2 submissions from 2 submitters: Likely benign (2). Last evaluated 2024-04-16.

Conditions:
Familial thoracic aortic aneurysm and aortic dissection (TAAD). Also called: Thoracic aortic aneurysms and dissections. Identifiers: Orphanet 91387, MedGen C4707243, MONDO:0019625.
Marfan syndrome (MFS). Also called: Marfan syndrome type 1; Marfan's syndrome; Marfan syndrome, classic; MARFAN SYNDROME, TYPE I; FBN1-Related Marfan Syndrome. Identifiers: Orphanet 284963, Orphanet 558, MedGen C0024796, MONDO:0007947, OMIM 154700.

gnomAD v4.1: 13 of 1,614,116 alleles (0.00081%); highest among the groups gnomAD compares: Non-Finnish European, 0.0011%; no homozygotes.

Submissions (2):

Labcorp Genetics (formerly Invitae), Labcorp
Classification: Likely benign for Marfan syndrome; Familial thoracic aortic aneurysm and aortic dissection. Last evaluated: 2024-04-16. Review status: criteria provided, single submitter. Criteria: Invitae Variant Classification Sherloc (09022015). Collection method: clinical testing. Allele origin: germline.

All of Us Research Program, National Institutes of Health
Classification: Likely benign for Marfan syndrome. Last evaluated: 2023-06-08. Review status: criteria provided, single submitter. Criteria: ACMG Guidelines, 2015. Collection method: clinical testing. Allele origin: germline. Inheritance: Autosomal dominant inheritance. Observed: 1 variant allele, 1 heterozygote.
Comment: This study involves interpretation of variants in research participants for the purpose of population health screening. Participant phenotype was not available at the time of variant classification. Additional details can be found in publication PMID: 35346344, PMCID: PMC8962531

NM_000138.5(FBN1):c.2646G>C (p.Ala882=)

Gene: FBN1 (fibrillin 1; minus strand). Cytogenetic location: 15q21.1.
Variant type: single nucleotide variant.
Coding change: c.2646G>C on transcript NM_000138.5 (MANE Select); coding-DNA position 2646, G replaced by C.
Protein change: p.Ala882=; no amino-acid change (alanine 882 retained).
Molecular consequence: synonymous variant.
Genome position (GRCh38, 1-based): chr15:48,495,154, C>G on the plus strand (G>C on the coding strand, the complement: FBN1 is on the minus strand). VCF-style: chr15-48495154-C-G. GRCh37 (hg19) VCF-style: chr15-48787351-C-G.
Identifiers: ClinVar variation 1090476 (VCV001090476.10), dbSNP rs376040442, ClinGen allele CA490021976.
Genomic context (GRCh38, chr15:48,495,154, plus strand): 5'-ATAGGAACCACAGCATGGGTTTCTCTTACCAACTTGGCATAGGGTGCACGGGCTTCCCCA[C>G]GCAGCACCGAGGGAGGAGCAGCACTGGGACTTTAAGGTGGCTCCATTGATGTTGATCTCA-3'
Protein context (NP_000129.3, residues 872-892): KSQCCSSLGA[Ala882=]WGSPCTLCQV